The following is an entry in ClinVar:

NM_001287.6(CLCN7):c.1963G>A (p.Ala655Thr)

Gene: CLCN7 (chloride voltage-gated channel 7; minus strand). Cytogenetic location: 16p13.3.
Variant type: single nucleotide variant.
Coding change: c.1963G>A on transcript NM_001287.6 (MANE Select); coding-DNA position 1963, G replaced by A.
Protein change: p.Ala655Thr; replaces alanine 655 with threonine.
Molecular consequence: missense variant.
Genome position (GRCh38, 1-based): chr16:1,448,405, C>T on the plus strand (G>A on the coding strand, the complement: CLCN7 is on the minus strand). VCF-style: chr16-1448405-C-T. GRCh37 (hg19) VCF-style: chr16-1498406-C-T.
Other names: c.1891G>A, p.Ala631Thr (NM_001114331.3); short protein forms A631T, A655T.
Identifiers: ClinVar variation 2791211 (VCV002791211.3), dbSNP rs2505814536, ClinGen allele CA394186086.

ClinVar aggregate classification (germline): Uncertain significance (1 of 4 stars; one submission).

Allele frequency attached by ClinVar (database versions not stated): gnomAD exomes below 0.00001.

Submission:

Labcorp Genetics (formerly Invitae), Labcorp
Classification: Uncertain significance. Last evaluated: 2023-01-14. Review status: criteria provided, single submitter. Criteria: Invitae Variant Classification Sherloc (09022015). Collection method: clinical testing. Allele origin: germline.
Comment: In summary, the available evidence is currently insufficient to determine the role of this variant in disease. Therefore, it has been classified as a Variant of Uncertain Significance. Algorithms developed to predict the effect of missense changes on protein structure and function output the following: SIFT: "Tolerated"; PolyPhen-2: "Benign"; Align-GVGD: "Class C0". The threonine amino acid residue is found in multiple mammalian species, which suggests that this missense change does not adversely affect protein function. This variant has not been reported in the literature in individuals affected with CLCN7-related conditions. This variant is not present in population databases (gnomAD no frequency). This sequence change replaces alanine, which is neutral and non-polar, with threonine, which is neutral and polar, at codon 655 of the CLCN7 protein (p.Ala655Thr).